The following is an entry in ClinVar:

ClinVar aggregate classification (germline): Uncertain significance (1 of 4 stars; one submission).

gnomAD v4.1: 1 of 1,613,214 alleles (0.000062%); no homozygotes.

Submission:

GeneDx
Classification: Uncertain significance. Last evaluated: 2025-05-20. Review status: criteria provided, single submitter. Criteria: GeneDx Variant Classification Process June 2021. Collection method: clinical testing. Allele origin: germline. Affected: yes.
Comment: Not observed at significant frequency in large population cohorts (gnomAD); In silico analysis supports that this missense variant has a deleterious effect on protein structure/function; Has not been previously published as pathogenic or benign to our knowledge

NM_015557.3(CHD5):c.5170C>G (p.Arg1724Gly)

Gene: CHD5 (chromodomain helicase DNA binding protein 5; minus strand). Cytogenetic location: 1p36.31.
Variant type: single nucleotide variant.
Coding change: c.5170C>G on transcript NM_015557.3 (MANE Select); coding-DNA position 5170, C replaced by G.
Protein change: p.Arg1724Gly; replaces arginine 1724 with glycine.
Molecular consequence: missense variant.
Genome position (GRCh38, 1-based): chr1:6,111,854, G>C on the plus strand (C>G on the coding strand, the complement: CHD5 is on the minus strand). VCF-style: chr1-6111854-G-C. GRCh37 (hg19) VCF-style: chr1-6171914-G-C.
Other names: short protein forms R1724G.
Identifiers: ClinVar variation 4531074 (VCV004531074.1).
Genomic context (GRCh38, chr1:6,111,854, plus strand): 5'-GCCAGTAGTCATGGCGCCGGTGCCAGATGTCGTAGATTTTCCCAGAGGATACAGCAGCCC[G>C]CTCCTCGTTCTGCCACAGCGTGTGCAACTCTGGGAAACAAGCCAAGGTGAGCAGGGTGAG-3'
Protein context (NP_056372.1, residues 1714-1734): ELHTLWQNEE[Arg1724Gly]AAVSSGKIYD